The following is an entry in ClinVar:

ClinVar aggregate classification (germline): Pathogenic/Likely pathogenic. Review status: criteria provided, multiple submitters, no conflicts (2 of 4 stars). 3 submissions from 3 submitters: Pathogenic (1); Likely pathogenic (1). 1 of the submissions does not count toward it. Last evaluated 2021-03-01.

Conditions:
Marfan syndrome (MFS). Also called: FBN1-Related Marfan Syndrome; Marfan syndrome type 1; Marfan's syndrome; Marfan syndrome, classic; MARFAN SYNDROME, TYPE I. Identifiers: Orphanet 284963, Orphanet 558, MedGen C0024796, MONDO:0007947, OMIM 154700.

Submissions (3):

Centre of Medical Genetics, University of Antwerp
Classification: Pathogenic for Marfan syndrome. Last evaluated: 2021-03-01. Review status: criteria provided, single submitter. Criteria: Submitter's publication. Collection method: research. Allele origin: unknown. Affected: yes.
Comment: PM2, PVS1, PP4

Women's Health and Genetics/Laboratory Corporation of America, LabCorp
Classification: Likely pathogenic for Marfan Syndrome. Last evaluated: 2011-08-18. Review status: criteria provided, single submitter. Criteria: LabCorp Variant Classification Summary - May 2015. Collection method: curation, clinical testing. Allele origin: germline. Inheritance: autosomal unknown. Affected: yes.
ClinVar note: Converted during submission from likely pathogenic to Likely pathogenic.

Center for Medical Genetics Ghent, University of Ghent
Classification: Pathogenic for Marfan syndrome. Last evaluated: 2017-11-07. Review status: no assertion criteria provided. Collection method: clinical testing. Allele origin: de novo. Affected: yes. Not counted in ClinVar's aggregate classification.

NM_000138.5(FBN1):c.2682del (p.Ile895fs)

Gene: FBN1 (fibrillin 1; minus strand). Cytogenetic location: 15q21.1.
Variant type: Deletion.
Coding change: c.2682del on transcript NM_000138.5 (MANE Select); coding-DNA position 2682, one base deleted (C; older notation c.2682delC).
Protein change: p.Ile895fs; shifts the reading frame from isoleucine 895.
Molecular consequence: frameshift variant.
Genome position (GRCh38, 1-based): chr15:48,494,250, G deleted on the plus strand (C on the coding strand, the reverse complement: FBN1 is on the minus strand); the first of 3 consecutive G bases (chr15:48,494,250-48,494,252); deleting any one gives the same sequence. VCF-style (leftmost placement, unchanged base first): chr15-48494249-TG-T. GRCh37 (hg19) VCF-style: chr15-48786446-TG-T.
Other names: c.2682delC (NM_000138.4).
Identifiers: ClinVar variation 36057 (VCV000036057.20), dbSNP rs193922194, ClinGen allele CA013347.